The following is an entry in ClinVar:

NM_000159.4(GCDH):c.833C>G (p.Pro278Arg)

Gene: GCDH (glutaryl-CoA dehydrogenase; plus strand). Cytogenetic location: 19p13.13.
Variant type: single nucleotide variant.
Coding change: c.833C>G on transcript NM_000159.4 (MANE Select); coding-DNA position 833, C replaced by G.
Protein change: p.Pro278Arg; replaces proline 278 with arginine.
Molecular consequence: missense variant. On other transcripts: non-coding transcript variant (2).
Genome position (GRCh38, 1-based): chr19:12,896,402, C>G. VCF-style: chr19-12896402-C-G. GRCh37 (hg19) VCF-style: chr19-13007216-C-G.
Other names: c.833C>G, p.Pro278Arg (NM_013976.5); c.833C>G (NM_000159.3); short protein forms P278R.
Identifiers: ClinVar variation 2138249 (VCV002138249.6), dbSNP rs755054282, ClinGen allele CA404319143.

ClinVar aggregate classification (germline): Conflicting classifications of pathogenicity. Review status: criteria provided, conflicting classifications (1 of 4 stars). 3 submissions from 3 submitters: Pathogenic (1); Likely pathogenic (1); Uncertain significance (1). Last evaluated 2026-02-25.

Conditions:
Glutaric aciduria, type 1. Also called: Glutaric Acidemia Type 1; GA I; Glutaric acidemia type I; Glutaricacidemia Type 1; Glutaryl-CoA dehydrogenase deficiency; Glutaricaciduria, type I. Identifiers: Orphanet 25, MedGen C0268595, MONDO:0009281, OMIM 231670.

gnomAD v4.1: 1 of 1,613,484 alleles (0.000062%); highest among the groups gnomAD compares: African/African-American, 0.0013%; no homozygotes.

Submissions (3):

Myriad Genetics, Inc.
Classification: Uncertain significance for Glutaric aciduria, type 1. Last evaluated: 2026-02-25. Review status: criteria provided, single submitter. Criteria: Myriad Autosomal Dominant, Autosomal Recessive and X-Linked Classification Criteria (2023). Collection method: clinical testing. Allele origin: unknown.
Comment: NM_000159.2(GCDH):c.833C>G(P278R) is a missense variant classified as a variant of uncertain significance in the context of glutaric acidemia, GCDH-related. P278R has been observed in a case with relevant disease (PMID: 22728054). Relevant functional assessments of this variant are not available in the literature. P278R has not been observed in referenced population frequency databases. In summary, there is insufficient evidence to classify NM_000159.2(GCDH):c.833C>G(P278R) as pathogenic or benign. Please note: this variant was assessed in the context of healthy population screening.

Natera, Inc.
Classification: Likely pathogenic for Glutaric acidemia type 1. Last evaluated: 2024-10-23. Review status: criteria provided, single submitter. Criteria: Natera Variant Classification Schema (03/2026). Collection method: clinical testing. Allele origin: germline.
Comment: The c.833C>G variant in GCDH is a missense variant predicted to cause substitution of proline to arginine at amino acid 278. This variant is rare in the general population with a frequency below the threshold expected for the associated phenotype(s). This variant has been observed in one or more individuals affected with the associated recessive disease, as either homozygous or compound heterozygous with a second variant (PMID: 22728054). A different variant at the same position has been determined to be Pathogenic or Likely Pathogenic. Computational prediction algorithms indicate this variant is likely to affect gene or protein function. Given the available evidence, this variant is classified as Likely Pathogenic.

Labcorp Genetics (formerly Invitae), Labcorp
Classification: Pathogenic for Glutaric aciduria, type 1. Last evaluated: 2023-06-04. Review status: criteria provided, single submitter. Criteria: Invitae Variant Classification Sherloc (09022015). Collection method: clinical testing. Allele origin: germline.
Comment: This variant is present in population databases (no rsID available, gnomAD 0.01%). This sequence change replaces proline, which is neutral and non-polar, with arginine, which is basic and polar, at codon 278 of the GCDH protein (p.Pro278Arg). This missense change has been observed in individual(s) with glutaric acidemia type I (PMID: 22728054). For these reasons, this variant has been classified as Pathogenic. This variant disrupts the p.Pro278 amino acid residue in GCDH. Other variant(s) that disrupt this residue have been determined to be pathogenic (PMID: 9600243, 15505393, 28062662). This suggests that this residue is clinically significant, and that variants that disrupt this residue are likely to be disease-causing. Advanced modeling of protein sequence and biophysical properties (such as structural, functional, and spatial information, amino acid conservation, physicochemical variation, residue mobility, and thermodynamic stability) performed at Invitae indicates that this missense variant is expected to disrupt GCDH protein function. ClinVar contains an entry for this variant (Variation ID: 2138249).

Literature cited by the submitters: PubMed 22728054 (cited by 3 submitters); PubMed 9600243 (cited by Labcorp Genetics (formerly Invitae), Labcorp); PubMed 15505393 (cited by Labcorp Genetics (formerly Invitae), Labcorp); PubMed 28062662 (cited by Labcorp Genetics (formerly Invitae), Labcorp).